The following is an entry in ClinVar:

NM_001267550.2(TTN):c.39166G>T (p.Val13056Leu)

Gene: TTN (titin; minus strand). Cytogenetic location: 2q31.2.
Variant type: single nucleotide variant.
Coding change: c.39166G>T on transcript NM_001267550.2 (MANE Select); coding-DNA position 39166, G replaced by T.
Protein change: p.Val13056Leu; replaces valine 13056 with leucine.
Molecular consequence: missense variant. On other transcripts: intron variant (3).
Genome position (GRCh38, 1-based): chr2:178,652,309, C>A on the plus strand (G>T on the coding strand, the complement: TTN is on the minus strand). VCF-style: chr2-178652309-C-A. GRCh37 (hg19) VCF-style: chr2-179517036-C-A.
Other names: c.34645G>T, p.Val11549Leu (NM_001256850.1); c.13283-9992G>T (NM_003319.4); c.13859-9992G>T (NM_133437.4); c.13658-9992G>T (NM_133432.3); short protein forms V13056L, V11549L.
Identifiers: ClinVar variation 167791 (VCV000167791.12), dbSNP rs727504201, ClinGen allele CA235132.

ClinVar aggregate classification (germline): Conflicting classifications of pathogenicity. Review status: criteria provided, conflicting classifications (1 of 4 stars). 4 submissions from 4 submitters: Uncertain significance (1); Likely benign (2). 1 of the submissions does not count toward it. Last evaluated 2026-06-01.

Conditions:
TTN-related disorder. Also called: TTN-related disorders; TTN-related condition; TTN-related disease.

Allele frequency attached by ClinVar (database versions not stated): ExAC 0.00001; gnomAD exomes 0.00002 and 0.00009; gnomAD 0.00017; TOPMed 0.00022.
gnomAD v4.1: 58 of 1,613,588 alleles (0.0036%); highest among the groups gnomAD compares: Admixed American, 0.093%; no homozygotes.

Submissions (4):

CeGaT Center for Human Genetics Tuebingen
Classification: Likely benign. Last evaluated: 2026-06-01. Review status: criteria provided, single submitter. Criteria: CeGaT Center For Human Genetics Tuebingen Variant Classification Criteria Version 2. Collection method: clinical testing. Allele origin: germline. Affected: yes. Observed: 1 variant allele.
Comment: TTN: BP4

GeneDx
Classification: Likely benign. Last evaluated: 2018-05-14. Review status: criteria provided, single submitter. Criteria: GeneDx Variant Classification Process June 2021. Collection method: clinical testing. Allele origin: germline. Affected: yes.

Eurofins Ntd Llc (ga)
Classification: Uncertain significance. Last evaluated: 2014-04-17. Review status: criteria provided, single submitter. Criteria: EGL Classification Definitions 2015. Collection method: clinical testing. Allele origin: germline. Observed: 1 variant allele, 1 heterozygote.

PreventionGenetics, part of Exact Sciences
Classification: Uncertain significance for TTN-related condition. Last evaluated: 2024-02-14. Review status: no assertion criteria provided. Collection method: clinical testing. Allele origin: germline. Not counted in ClinVar's aggregate classification.
Comment: The TTN c.39166G>T variant is predicted to result in the amino acid substitution p.Val13056Leu. To our knowledge, this variant has not been reported in the literature. This variant is reported in 0.061% of alleles in individuals of Latino descent in gnomAD. Although we suspect that this variant may be benign, at this time, the clinical significance of this variant is uncertain due to the absence of conclusive functional and genetic evidence.